The following is an entry in ClinVar:

ClinVar aggregate classification (germline): Uncertain significance (1 of 4 stars; one submission).

Conditions:
Primary ciliary dyskinesia 6. Also called: Primary Ciliary Dyskinesia 6: TXNDC3-Related Primary Ciliary Dyskinesia. Identifiers: Orphanet 244, MedGen C1970506, MONDO:0012571, OMIM 610852.

Allele frequency attached by ClinVar (database versions not stated): gnomAD exomes below 0.00001.
gnomAD v4.1: 1 of 1,613,886 alleles (0.000062%); highest among the groups gnomAD compares: Non-Finnish European, 0.000085%; no homozygotes.

Submission:

Labcorp Genetics (formerly Invitae), Labcorp
Classification: Uncertain significance for Primary ciliary dyskinesia 6. Last evaluated: 2023-03-27. Review status: criteria provided, single submitter. Criteria: Invitae Variant Classification Sherloc (09022015). Collection method: clinical testing. Allele origin: germline.
Comment: This variant has not been reported in the literature in individuals affected with NME8-related conditions. Advanced modeling of protein sequence and biophysical properties (such as structural, functional, and spatial information, amino acid conservation, physicochemical variation, residue mobility, and thermodynamic stability) performed at Invitae indicates that this missense variant is not expected to disrupt NME8 protein function. In summary, the available evidence is currently insufficient to determine the role of this variant in disease. Therefore, it has been classified as a Variant of Uncertain Significance. This variant is not present in population databases (gnomAD no frequency). This sequence change replaces glutamic acid, which is acidic and polar, with alanine, which is neutral and non-polar, at codon 576 of the NME8 protein (p.Glu576Ala).

NM_016616.5(NME8):c.1727A>C (p.Glu576Ala)

Gene: NME8 (NME/NM23 family member 8; plus strand). Cytogenetic location: 7p14.1.
Variant type: single nucleotide variant.
Coding change: c.1727A>C on transcript NM_016616.5 (MANE Select); coding-DNA position 1727, A replaced by C.
Protein change: p.Glu576Ala; replaces glutamic acid 576 with alanine.
Molecular consequence: missense variant.
Genome position (GRCh38, 1-based): chr7:37,897,052, A>C. VCF-style: chr7-37897052-A-C. GRCh37 (hg19) VCF-style: chr7-37936654-A-C.
Other names: short protein forms E576A.
Identifiers: ClinVar variation 2807997 (VCV002807997.3), dbSNP rs981903621, ClinGen allele CA367218130.
Genomic context (GRCh38, chr7:37,897,052, plus strand): 5'-TTGGAATAAGTAAATTGAAAAACATTGTCCATGGAGCATCTAACGCCTATGAAGCAAAAG[A>C]GGTTGTTAATAGACTCTTTGAGGATCCTGAGGAAAACTAAAGTATATACTGTGAAGTACG-3'
Protein context (NP_057700.3, residues 566-586): HGASNAYEAK[Glu576Ala]VVNRLFEDPE